The following is an entry in ClinVar:

NM_016592.5(GNAS):c.304G>C (p.Glu102Gln)

Genes: GNAS (GNAS complex locus; plus strand), GNAS-AS1 (GNAS antisense RNA 1; minus strand). Cytogenetic location: 20q13.32.
Variant type: single nucleotide variant.
Coding change: c.304G>C on transcript NM_016592.5 (MANE Plus Clinical); coding-DNA position 304, G replaced by C.
Protein change: p.Glu102Gln; replaces glutamic acid 102 with glutamine.
Molecular consequence: missense variant. On other transcripts: 5 prime UTR variant (1).
Genome position (GRCh38, 1-based): chr20:58,840,410, G>C. VCF-style: chr20-58840410-G-C. GRCh37 (hg19) VCF-style: chr20-57415465-G-C.
Other names: NM_016592.5:c.304G>C; c.-434G>C (NM_001410912.1); short protein forms E102Q.
Identifiers: ClinVar variation 3024405 (VCV003024405.2), dbSNP rs752452409, ClinGen allele CA9926291.
Genomic context (GRCh38, chr20:58,840,410, plus strand): 5'-TCGGAATCTGACCACGAGCACGAGGAGGCAGACCTTGAGCTGTCCCTCCCCGAGTGCCTA[G>C]AGTACGAGGAAGAGTTCGACTACGAGACCGAGAGCGAGACCGAGTCCGAAATCGAGTCCG-3'
Protein context (NP_057676.1, residues 92-112): DLELSLPECL[Glu102Gln]YEEEFDYETE

ClinVar aggregate classification (germline): Uncertain significance. Review status: criteria provided, single submitter (1 of 4 stars). 2 submissions from 2 submitters: Uncertain significance (1). 1 of the submissions does not count toward it. Last evaluated 2024-02-27.

Conditions:
Duane retraction syndrome. Also called: Duane anomaly; Duane Syndrome; Duane's syndrome; RETRACTION SYNDROME. Identifiers: Orphanet 233, MedGen C0013261, MONDO:0007473, HP:0009921.
GNAS-related disorder. Identifiers: MedGen CN380105.

Allele frequency attached by ClinVar (database versions not stated): gnomAD 0.00003; gnomAD exomes 0.00002; ExAC 0.00002; TOPMed 0.00003.
gnomAD v4.1: 28 of 1,613,480 alleles (0.0017%); highest among the groups gnomAD compares: Non-Finnish European, 0.0024%; no homozygotes.

Submissions (2):

Broad Center for Mendelian Genomics, Broad Institute of MIT and Harvard
Classification: Uncertain significance for Duane retraction syndrome. Last evaluated: 2024-02-27. Review status: criteria provided, single submitter. Criteria: ACMG Guidelines, 2015. Collection method: curation. Allele origin: germline. Inheritance: Autosomal dominant inheritance.
Comment: We believe this is a possible phenotype expansion for GNAS-associated disorders. Given the limited information about this gene-disease relationship, the significance of the p.Glu102Gln variant is uncertain. If you have any additional information about functional evidence or other individuals with this phenotype that also have variants in GNAS we encourage you to reach out to the Engle Lab.

PreventionGenetics, part of Exact Sciences
Classification: Uncertain significance for GNAS-related condition. Last evaluated: 2024-08-06. Review status: no assertion criteria provided. Collection method: clinical testing. Allele origin: germline. Not counted in ClinVar's aggregate classification.
Comment: The GNAS c.304G>C variant is predicted to result in the amino acid substitution p.Glu102Gln. Of note, this variant is also referred to as c.-51317G>C (pre-coding) with the more commonly reported isoform, NM_000516. To our knowledge, this variant has not been reported in the literature. This variant is reported in 0.0047% of alleles in individuals of European (non-Finnish) descent in gnomAD. At this time, the clinical significance of this variant is uncertain due to the absence of conclusive functional and genetic evidence.